The following is an entry in ClinVar:

ClinVar aggregate classification (germline): Uncertain significance. Review status: criteria provided, single submitter (1 of 4 stars). 3 submissions from 3 submitters: Uncertain significance (1). 2 of the submissions do not count toward it. Last evaluated 2024-11-26.

Conditions:
Leukoencephalopathy, progressive, infantile-onset, with or without deafness. Identifiers: MedGen C5542996, MONDO:0030893, OMIM 619147.
KARS1-related disorder. Also called: KARS1-related disorders.

Allele frequency attached by ClinVar (database versions not stated): gnomAD exomes below 0.00001; TOPMed below 0.00001; ExAC 0.00001.

Submissions (3):

Blueprint Genetics
Classification: Uncertain significance. Last evaluated: 2024-11-26. Review status: criteria provided, single submitter. Criteria: ACMG Guidelines, 2015. Collection method: clinical testing. Allele origin: germline.

PreventionGenetics, part of Exact Sciences
Classification: Likely pathogenic for KARS1-related condition. Last evaluated: 2024-01-17. Review status: no assertion criteria provided. Collection method: clinical testing. Allele origin: germline. Not counted in ClinVar's aggregate classification.
Comment: The KARS1 c.1396C>T variant is predicted to result in the amino acid substitution p.Arg466Trp. This variant was reported in the compound heterozygous state with another missense variant in an individual with visual loss, progressive microcephaly, developmental delay, seizures, and abnormal subcortical white matter (McMillan et al 2015. PubMed ID: 25330800). This variant is reported in 0.0029% of alleles in individuals of Latino descent in gnomAD. This variant is interpreted as likely pathogenic.

OMIM
Classification: Pathogenic for LEUKOENCEPHALOPATHY, PROGRESSIVE, INFANTILE-ONSET, WITHOUT DEAFNESS. Last evaluated: 2021-03-01. Review status: no assertion criteria provided. Collection method: literature only. Allele origin: germline. Not counted in ClinVar's aggregate classification.

Literature cited by the submitters: McMillan, H. J., Humphreys, P., Smith, A., Schwartzentruber, J., Chakraborty, P., Bulman, D. E., Beaulieu, C. L., FORGE Canada Consortium, Majewski, J., Boycott, K. M., Geraghty, M. T. Congenital visual impairment and progressive microcephaly due to lysyl-transfer ribonucleic acid (RNA) synthetase (KARS) mutations: the expanding phenotype of aminoacyl-transfer RNA synthetase mutations in human disease. J. Child Neurol. 30: 1037-1043, 2015. (cited by OMIM).

NM_005548.3(KARS1):c.1312C>T (p.Arg438Trp)

Gene: KARS1 (lysyl-tRNA synthetase 1; minus strand). Cytogenetic location: 16q23.1.
Variant type: single nucleotide variant.
Coding change: c.1312C>T on transcript NM_005548.3 (MANE Select); coding-DNA position 1312, C replaced by T.
Protein change: p.Arg438Trp; replaces arginine 438 with tryptophan.
Molecular consequence: missense variant.
Genome position (GRCh38, 1-based): chr16:75,631,194, G>A on the plus strand (C>T on the coding strand, the complement: KARS1 is on the minus strand). VCF-style: chr16-75631194-G-A. GRCh37 (hg19) VCF-style: chr16-75665092-G-A.
Other names: c.1396C>T (NM_001130089.1); c.1396C>T, p.Arg466Trp (NM_001130089.2); c.844C>T, p.Arg282Trp (NM_001378148.1); short protein forms R438W, R282W, R466W.
Identifiers: ClinVar variation 997976 (VCV000997976.4), dbSNP rs761527468, ClinGen allele CA8177309.